The following is an entry in ClinVar:

NM_018972.4(GDAP1):c.310+4A>G

Gene: GDAP1 (ganglioside induced differentiation associated protein 1; plus strand). Cytogenetic location: 8q21.11.
Variant type: single nucleotide variant.
Coding change: c.310+4A>G on transcript NM_018972.4 (MANE Select); 4 bases into the intron after coding-DNA position 310, A replaced by G.
Molecular consequence: intron variant.
Genome position (GRCh38, 1-based): chr8:74,351,470, A>G. VCF-style: chr8-74351470-A-G. GRCh37 (hg19) VCF-style: chr8-75263705-A-G.
Other names: c.310+4A>G (NM_001362931.2, NM_001362930.2); c.-18+149A>G (NM_001362929.2); c.-18+892A>G (NM_001362932.2); c.106+4A>G (NM_001040875.4).
Identifiers: ClinVar variation 848090 (VCV000848090.9), dbSNP rs1808873168, ClinGen allele CA916083001.

ClinVar aggregate classification (germline): Uncertain significance (1 of 4 stars; one submission).

Conditions:
Charcot-Marie-Tooth disease type 4A. Also called: Charcot-Marie-Tooth disease, demyelinating, autosomal recessive, type 4a. Identifiers: Orphanet 99948, MedGen C1859198, MONDO:0008961, OMIM 214400.

Allele frequency attached by ClinVar (database versions not stated): gnomAD exomes below 0.00001.
gnomAD v4.1: 1 of 1,603,018 alleles (0.000062%); highest among the groups gnomAD compares: Non-Finnish European, 0.000085%; no homozygotes.

Submission:

Labcorp Genetics (formerly Invitae), Labcorp
Classification: Uncertain significance for Charcot-Marie-Tooth disease type 4A. Last evaluated: 2022-09-09. Review status: criteria provided, single submitter. Criteria: Invitae Variant Classification Sherloc (09022015). Collection method: clinical testing. Allele origin: germline.
Comment: In summary, the available evidence is currently insufficient to determine the role of this variant in disease. Therefore, it has been classified as a Variant of Uncertain Significance. Variants that disrupt the consensus splice site are a relatively common cause of aberrant splicing (PMID: 17576681, 9536098). Algorithms developed to predict the effect of sequence changes on RNA splicing suggest that this variant may disrupt the consensus splice site. ClinVar contains an entry for this variant (Variation ID: 848090). This variant has not been reported in the literature in individuals affected with GDAP1-related conditions. This variant is not present in population databases (gnomAD no frequency). This sequence change falls in intron 2 of the GDAP1 gene. It does not directly change the encoded amino acid sequence of the GDAP1 protein. It affects a nucleotide within the consensus splice site.

Literature cited by the submitters: PubMed 17576681; PubMed 9536098.